The following is an entry in ClinVar:

ClinVar aggregate classification (germline): Uncertain significance. Review status: criteria provided, multiple submitters, no conflicts (2 of 4 stars). 5 submissions from 5 submitters: Uncertain significance (4). 1 of the submissions does not count toward it. Last evaluated 2024-06-28.

Conditions:
Inborn genetic diseases. Identifiers: MedGen C0950123, MeSH D030342.
Hereditary insensitivity to pain with anhidrosis (CIPA). Also called: NEUROPATHY, CONGENITAL SENSORY, WITH ANHIDROSIS; NTRK1 Congenital Insensitivity to Pain with Anhidrosis; INSENSITIVITY TO PAIN, CONGENITAL, WITH ANHIDROSIS; FAMILIAL DYSAUTONOMIA, TYPE II; hereditary sensory and autonomic neuropathy type 4; HSAN Type IV. Identifiers: Orphanet 642, MedGen C0020074, MONDO:0009746, OMIM 256800.
Familial medullary thyroid carcinoma (MTC). Also called: Familial Medullary Thyroid Carcinoma (FMTC); Thyroid cancer, familial medullary; MTC, familial. Identifiers: Orphanet 653, Orphanet 99361, MedGen C1833921, MONDO:0007958, OMIM 155240.

Allele frequency attached by ClinVar (database versions not stated): ExAC 0.00001; gnomAD exomes 0.00002 and 0.00007; TOPMed 0.00002; gnomAD 0.00003.
gnomAD v4.1: 103 of 1,612,902 alleles (0.0064%); highest among the groups gnomAD compares: Non-Finnish European, 0.0086%; no homozygotes.

Submissions (5):

Ambry Genetics
Classification: Uncertain significance for Inborn genetic diseases. Last evaluated: 2024-06-28. Review status: criteria provided, single submitter. Criteria: Ambry Variant Classification Scheme 2023. Collection method: clinical testing. Allele origin: germline.

Genome-Nilou Lab
Classification: Uncertain significance for Hereditary insensitivity to pain with anhidrosis. Last evaluated: 2023-04-11. Review status: criteria provided, single submitter. Criteria: ACMG Guidelines, 2015. Collection method: clinical testing. Allele origin: germline. Affected: no.

Labcorp Genetics (formerly Invitae), Labcorp
Classification: Uncertain significance for Hereditary insensitivity to pain with anhidrosis. Last evaluated: 2022-07-11. Review status: criteria provided, single submitter. Criteria: Invitae Variant Classification Sherloc (09022015). Collection method: clinical testing. Allele origin: germline.
Comment: This sequence change replaces proline, which is neutral and non-polar, with threonine, which is neutral and polar, at codon 488 of the NTRK1 protein (p.Pro488Thr). This variant is present in population databases (rs764737760, gnomAD 0.004%). This variant has not been reported in the literature in individuals affected with NTRK1-related conditions. ClinVar contains an entry for this variant (Variation ID: 456610). Advanced modeling of protein sequence and biophysical properties (such as structural, functional, and spatial information, amino acid conservation, physicochemical variation, residue mobility, and thermodynamic stability) performed at Invitae indicates that this missense variant is not expected to disrupt NTRK1 protein function. In summary, the available evidence is currently insufficient to determine the role of this variant in disease. Therefore, it has been classified as a Variant of Uncertain Significance.

Fulgent Genetics
Classification: Uncertain significance for Familial medullary thyroid carcinoma; Hereditary insensitivity to pain with anhidrosis. Last evaluated: 2018-10-31. Review status: criteria provided, single submitter. Criteria: ACMG Guidelines, 2015. Collection method: clinical testing. Allele origin: unknown.

Natera, Inc.
Classification: Uncertain significance for Hereditary insensitivity to pain with anhidrosis. Last evaluated: 2020-09-16. Review status: no assertion criteria provided. Collection method: clinical testing. Allele origin: germline. Not counted in ClinVar's aggregate classification.

NM_002529.4(NTRK1):c.1480C>A (p.Pro494Thr)

Gene: NTRK1 (neurotrophic receptor tyrosine kinase 1; plus strand). Cytogenetic location: 1q23.1.
Variant type: single nucleotide variant.
Coding change: c.1480C>A on transcript NM_002529.4 (MANE Select); coding-DNA position 1480, C replaced by A.
Protein change: p.Pro494Thr; replaces proline 494 with threonine.
Molecular consequence: missense variant.
Genome position (GRCh38, 1-based): chr1:156,875,645, C>A. VCF-style: chr1-156875645-C-A. GRCh37 (hg19) VCF-style: chr1-156845437-C-A.
Other names: c.1372C>A, p.Pro458Thr (NM_001007792.1); c.1462C>A, p.Pro488Thr (NM_001012331.2); short protein forms P488T, P458T, P494T.
Identifiers: ClinVar variation 456610 (VCV000456610.12), dbSNP rs764737760, ClinGen allele CA1169335.
Genomic context (GRCh38, chr1:156,875,645, plus strand): 5'-AGCTCCCTGTCCCCCACCGAGGGCAAAGGCTCTGGGCTCCAAGGCCACATCATCGAGAAC[C>A]CACAATACTTCAGTGATGCCTGTGAGGGGCTATGCTGGGTCAAGGGCAGGGACGAGTGTG-3'
Protein context (NP_002520.2, residues 484-504): SGLQGHIIEN[Pro494Thr]QYFSDACVHH